The following is an entry in ClinVar:

ClinVar aggregate classification (germline): Benign (0 of 4 stars; one submission).

Conditions:
PLXND1-related disorder. Also called: PLXND1-related condition.

Allele frequency attached by ClinVar (database versions not stated): gnomAD exomes 0.04476; ExAC 0.07431; gnomAD 0.12171; ESP Exome Variant Server 0.12786; TOPMed 0.13302; 1000 Genomes Project 0.14677; 1000 Genomes Project 30x 0.15116.
gnomAD v4.1: 85,302 of 1,614,136 alleles (5.3%); highest among the groups gnomAD compares: African/African-American, 33%; 5,923 homozygotes.

Submission:

PreventionGenetics, part of Exact Sciences
Classification: Benign for PLXND1-related condition. Last evaluated: 2019-10-21. Review status: no assertion criteria provided. Collection method: clinical testing. Allele origin: germline.
Comment: This variant is classified as benign based on ACMG/AMP sequence variant interpretation guidelines (Richards et al. 2015 PMID: 25741868, with internal and published modifications).

NM_015103.3(PLXND1):c.3627G>A (p.Gln1209=)

Gene: PLXND1 (plexin D1; minus strand). Cytogenetic location: 3q22.1.
Variant type: single nucleotide variant.
Coding change: c.3627G>A on transcript NM_015103.3 (MANE Select); coding-DNA position 3627, G replaced by A.
Protein change: p.Gln1209=; no amino-acid change (glutamine 1209 retained).
Molecular consequence: synonymous variant.
Genome position (GRCh38, 1-based): chr3:129,570,909, C>T on the plus strand (G>A on the coding strand, the complement: PLXND1 is on the minus strand). VCF-style: chr3-129570909-C-T. GRCh37 (hg19) VCF-style: chr3-129289752-C-T.
Identifiers: ClinVar variation 3056466 (VCV003056466.2), dbSNP rs2285365, ClinGen allele CA2608520.